The following is an entry in ClinVar:

ClinVar aggregate classification (germline): Benign/Likely benign. Review status: criteria provided, multiple submitters, no conflicts (2 of 4 stars). 4 submissions from 3 submitters: Benign (2); Likely benign (1). 1 of the submissions does not count toward it. Last evaluated 2024-12-16.

Conditions:
VCAN-related disorder. Also called: VCAN-related condition.
Wagner disease. Also called: WAGNER VITREORETINAL DEGENERATION; WAGNER VITREORETINOPATHY; Wagner Vitreoretinal Degeneration (Wagner Synrdome); WAGNER SYNDROME 1; HYALOIDEORETINAL DEGENERATION OF WAGNER; Wagner syndrome. Identifiers: Orphanet 898, MedGen C1840452, MONDO:0007740, OMIM 143200.
Vitreoretinopathy. Also called: Vitreoretinal degeneration. Identifiers: MedGen C0344290, MONDO:0020248, HP:0007773.

Allele frequency attached by ClinVar (database versions not stated): gnomAD below 0.00001 and 0.00003; TOPMed 0.00002; gnomAD exomes 0.00003 and 0.00004; ExAC 0.00007; 1000 Genomes Project 30x 0.00047; 1000 Genomes Project 0.00060.
gnomAD v4.1: 45 of 1,614,010 alleles (0.0028%); highest among the groups gnomAD compares: South Asian, 0.047%; no homozygotes.

Submissions (4):

Labcorp Genetics (formerly Invitae), Labcorp
Classification: Likely benign. Last evaluated: 2024-12-16. Review status: criteria provided, single submitter. Criteria: Invitae Variant Classification Sherloc (09022015). Collection method: clinical testing. Allele origin: germline.

Illumina Laboratory Services, Illumina
Classification: Benign for Wagner disease. Last evaluated: 2018-01-13. Review status: criteria provided, single submitter. Criteria: ICSL Variant Classification Criteria 13 December 2019. Collection method: clinical testing. Allele origin: germline.
Comment: This variant was observed in the ICSL laboratory as part of a predisposition screen in an ostensibly healthy population. It had not been previously curated by ICSL or reported in the Human Gene Mutation Database (HGMD: prior to June 1st, 2018), and was therefore a candidate for classification through an automated scoring system. Utilizing variant allele frequency, disease prevalence and penetrance estimates, and inheritance mode, an automated score was calculated to assess if this variant is too frequent to cause the disease. Based on the score and internal cut-off values, a variant classified as benign is not then subjected to further curation. The score for this variant resulted in a classification of benign for this disease.

Illumina Laboratory Services, Illumina
Classification: Benign for Vitreoretinopathy. Last evaluated: 2018-01-13. Review status: criteria provided, single submitter. Criteria: ICSL Variant Classification Criteria 13 December 2019. Collection method: clinical testing. Allele origin: germline.
Comment: the same text as in the submission from Illumina Laboratory Services, Illumina above.

PreventionGenetics, part of Exact Sciences
Classification: Likely benign for VCAN-related condition. Last evaluated: 2019-07-03. Review status: no assertion criteria provided. Collection method: clinical testing. Allele origin: germline. Not counted in ClinVar's aggregate classification.
Comment: This variant is classified as likely benign based on ACMG/AMP sequence variant interpretation guidelines (Richards et al. 2015 PMID: 25741868, with internal and published modifications).

NM_004385.5(VCAN):c.1650C>T (p.Phe550=)

Gene: VCAN (versican; plus strand). Cytogenetic location: 5q14.3.
Variant type: single nucleotide variant.
Coding change: c.1650C>T on transcript NM_004385.5 (MANE Select); coding-DNA position 1650, C replaced by T.
Protein change: p.Phe550=; no amino-acid change (phenylalanine 550 retained).
Molecular consequence: synonymous variant. On other transcripts: intron variant (2).
Genome position (GRCh38, 1-based): chr5:83,519,956, C>T. VCF-style: chr5-83519956-C-T. GRCh37 (hg19) VCF-style: chr5-82815775-C-T.
Other names: c.1650C>T, p.Phe550= (NM_001164098.2); c.1042+7560C>T (NM_001164097.2, NM_001126336.3).
Identifiers: ClinVar variation 903797 (VCV000903797.14), dbSNP rs532077063, ClinGen allele CA3332709.